The following is an entry in ClinVar:

NM_018699.4(PRDM5):c.1282+17G>C

Gene: PRDM5 (PR/SET domain 5; minus strand). Cytogenetic location: 4q27.
Variant type: single nucleotide variant.
Coding change: c.1282+17G>C on transcript NM_018699.4 (MANE Select); 17 bases into the intron after coding-DNA position 1282, G replaced by C.
Molecular consequence: intron variant.
Genome position (GRCh38, 1-based): chr4:120,784,981, C>G on the plus strand (G>C on the coding strand, the complement: PRDM5 is on the minus strand). VCF-style: chr4-120784981-C-G. GRCh37 (hg19) VCF-style: chr4-121706136-C-G.
Other names: c.1189+17G>C (NM_001300824.2, NM_001379106.1, NM_001300823.2); c.1315+17G>C (NM_001379104.1).
Identifiers: ClinVar variation 681180 (VCV000681180.4), dbSNP rs199821555, ClinGen allele CA3061094.

ClinVar aggregate classification (germline): Likely benign. Review status: criteria provided, multiple submitters, no conflicts (2 of 4 stars). 2 submissions from 2 submitters: Likely benign (2). Last evaluated 2026-01-24.

Allele frequency attached by ClinVar (database versions not stated): 1000 Genomes Project 0.00060; 1000 Genomes Project 30x 0.00062; gnomAD 0.00002 and 0.00004; gnomAD exomes 0.00008; ExAC 0.00007; TOPMed 0.00001.
gnomAD v4.1: 27 of 1,556,304 alleles (0.0017%); highest among the groups gnomAD compares: East Asian, 0.056%; no homozygotes.

Submissions (2):

Labcorp Genetics (formerly Invitae), Labcorp
Classification: Likely benign. Last evaluated: 2026-01-24. Review status: criteria provided, single submitter. Criteria: Invitae Variant Classification Sherloc (09022015). Collection method: clinical testing. Allele origin: germline.

GeneDx
Classification: Likely benign. Last evaluated: 2018-03-27. Review status: criteria provided, single submitter. Criteria: GeneDx Variant Classification (06012015). Collection method: clinical testing. Allele origin: germline. Affected: yes.
Comment: This variant is considered likely benign or benign based on one or more of the following criteria: it is a conservative change, it occurs at a poorly conserved position in the protein, it is predicted to be benign by multiple in silico algorithms, and/or has population frequency not consistent with disease.